The following is an entry in ClinVar:

ClinVar aggregate classification (germline): Likely benign. Review status: criteria provided, single submitter (1 of 4 stars). 2 submissions from 2 submitters: Likely benign (1). 1 of the submissions does not count toward it. Last evaluated 2022-01-28.

Conditions:
VPS13B-related disorder. Also called: VPS13B-related condition.

gnomAD v4.1: 25 of 919,330 alleles (0.0027%); highest among the groups gnomAD compares: African/African-American, 0.025%; no homozygotes.

Submissions (2):

Blueprint Genetics
Classification: Likely benign. Last evaluated: 2022-01-28. Review status: criteria provided, single submitter. Criteria: ACMG Guidelines, 2015. Collection method: clinical testing. Allele origin: germline.

PreventionGenetics, part of Exact Sciences
Classification: Likely benign for VPS13B-related condition. Last evaluated: 2024-06-17. Review status: no assertion criteria provided. Collection method: clinical testing. Allele origin: germline. Not counted in ClinVar's aggregate classification.
Comment: This variant is classified as likely benign based on ACMG/AMP sequence variant interpretation guidelines (Richards et al. 2015 PMID: 25741868, with internal and published modifications).

NM_152564.5(VPS13B):c.2515+16618G>A

Gene: VPS13B (vacuolar protein sorting 13 homolog B; plus strand). Cytogenetic location: 8q22.2.
Variant type: single nucleotide variant.
Coding change: c.2515+16618G>A on transcript NM_152564.5 (MANE Select); 16618 bases into the intron after coding-DNA position 2515, G replaced by A.
Molecular consequence: intron variant. On other transcripts: 3 prime UTR variant (1).
Genome position (GRCh38, 1-based): chr8:99,209,675, G>A. VCF-style: chr8-99209675-G-A. GRCh37 (hg19) VCF-style: chr8-100221903-G-A.
Other names: c.*7G>A (NM_015243.3); c.2515+16618G>A (NM_017890.5).
Identifiers: ClinVar variation 3352961 (VCV003352961.2).